The following is an entry in ClinVar:

NM_001042492.3(NF1):c.511A>G (p.Asn171Asp)

Gene: NF1 (neurofibromin 1; plus strand). Cytogenetic location: 17q11.2.
Variant type: single nucleotide variant.
Coding change: c.511A>G on transcript NM_001042492.3 (MANE Select); coding-DNA position 511, A replaced by G.
Protein change: p.Asn171Asp; replaces asparagine 171 with aspartic acid.
Molecular consequence: missense variant.
Genome position (GRCh38, 1-based): chr17:31,169,922, A>G. VCF-style: chr17-31169922-A-G. GRCh37 (hg19) VCF-style: chr17-29496940-A-G.
Other names: c.511A>G, p.Asn171Asp (NM_000267.4, NM_001128147.3); short protein forms N171D.
Identifiers: ClinVar variation 1346710 (VCV001346710.10), dbSNP rs1597643796, ClinGen allele CA398984950.
Genomic context (GRCh38, chr17:31,169,922, plus strand): 5'-ATAAGTTAATTTTGGTTTTTACTTTTTAGGTTACAGGAATTAACTGTTTGTTCAGAAGAC[A>G]ATGTTGATGTTCATGATATAGAATTGTTACAGTATATCAATGTGGATTGTGCAAAATTAA-3'
Protein context (NP_001035957.1, residues 161-181): LQELTVCSED[Asn171Asp]VDVHDIELLQ

ClinVar aggregate classification (germline): Uncertain significance. Review status: criteria provided, single submitter (1 of 4 stars). 2 submissions from 2 submitters: Uncertain significance (1). 1 of the submissions does not count toward it. Last evaluated 2021-02-24.

Conditions:
Neurofibromatosis, type 1 (NF1). Also called: VON RECKLINGHAUSEN DISEASE; Peripheral type neurofibromatosis; Neurofibromatosis, type I; NEUROFIBROMATOSIS, TYPE I, SOMATIC. Identifiers: Orphanet 636, MedGen C0027831, MONDO:0018975, OMIM 162200. Disease mechanism: loss of function.
NF1-related disorder. Also called: NF1-related condition. Identifiers: MedGen CN379171.

Submissions (2):

Labcorp Genetics (formerly Invitae), Labcorp
Classification: Uncertain significance for Neurofibromatosis, type 1. Last evaluated: 2021-02-24. Review status: criteria provided, single submitter. Criteria: Invitae Variant Classification Sherloc (09022015). Collection method: clinical testing. Allele origin: germline.
Comment: This sequence change replaces asparagine with aspartic acid at codon 171 of the NF1 protein (p.Asn171Asp). The asparagine residue is moderately conserved and there is a small physicochemical difference between asparagine and aspartic acid. This variant is not present in population databases (ExAC no frequency). This variant has not been reported in the literature in individuals with NF1-related conditions. Advanced modeling of protein sequence and biophysical properties (such as structural, functional, and spatial information, amino acid conservation, physicochemical variation, residue mobility, and thermodynamic stability) performed at Invitae indicates that this missense variant is not expected to disrupt NF1 protein function. In summary, the available evidence is currently insufficient to determine the role of this variant in disease. Therefore, it has been classified as a Variant of Uncertain Significance.

PreventionGenetics, part of Exact Sciences
Classification: Uncertain significance for NF1-related condition. Last evaluated: 2024-02-22. Review status: no assertion criteria provided. Collection method: clinical testing. Allele origin: germline. Not counted in ClinVar's aggregate classification.
Comment: The NF1 c.511A>G variant is predicted to result in the amino acid substitution p.Asn171Asp. To our knowledge, this variant has not been reported in the literature or in a large population database, indicating this variant is rare. This variant is reported as a variant of uncertain significance in the ClinVar database. At this time, the clinical significance of this variant is uncertain due to the absence of conclusive functional and genetic evidence.